The following is an entry in ClinVar:

NM_005529.7(HSPG2):c.5917G>A (p.Val1973Ile)

Gene: HSPG2 (heparan sulfate proteoglycan 2; minus strand). Cytogenetic location: 1p36.12.
Variant type: single nucleotide variant.
Coding change: c.5917G>A on transcript NM_005529.7 (MANE Select); coding-DNA position 5917, G replaced by A.
Protein change: p.Val1973Ile; replaces valine 1973 with isoleucine.
Molecular consequence: missense variant.
Genome position (GRCh38, 1-based): chr1:21,855,384, C>T on the plus strand (G>A on the coding strand, the complement: HSPG2 is on the minus strand). VCF-style: chr1-21855384-C-T. GRCh37 (hg19) VCF-style: chr1-22181877-C-T.
Other names: c.5917G>A (NM_005529.5); c.5920G>A, p.Val1974Ile (NM_001291860.2); short protein forms V1974I, V1973I.
Identifiers: ClinVar variation 1418232 (VCV001418232.9), dbSNP rs145332480, ClinGen allele CA671743.

ClinVar aggregate classification (germline): Uncertain significance. Review status: criteria provided, multiple submitters, no conflicts (2 of 4 stars). 2 submissions from 2 submitters: Uncertain significance (2). Last evaluated 2023-07-21.

Conditions:
Inborn genetic diseases. Identifiers: MedGen C0950123, MeSH D030342.

Allele frequency attached by ClinVar (database versions not stated): gnomAD exomes 0.00001; gnomAD 0.00004; TOPMed 0.00004.
gnomAD v4.1: 34 of 1,612,684 alleles (0.0021%); highest among the groups gnomAD compares: African/African-American, 0.0067%; no homozygotes.

Submissions (2):

Labcorp Genetics (formerly Invitae), Labcorp
Classification: Uncertain significance. Last evaluated: 2023-07-21. Review status: criteria provided, single submitter. Criteria: Invitae Variant Classification Sherloc (09022015). Collection method: clinical testing. Allele origin: germline.
Comment: This variant has not been reported in the literature in individuals affected with HSPG2-related conditions. This sequence change replaces valine, which is neutral and non-polar, with isoleucine, which is neutral and non-polar, at codon 1973 of the HSPG2 protein (p.Val1973Ile). This variant is present in population databases (rs145332480, gnomAD 0.008%). ClinVar contains an entry for this variant (Variation ID: 1418232). Algorithms developed to predict the effect of missense changes on protein structure and function output the following: SIFT: "Not Available"; PolyPhen-2: "Benign"; Align-GVGD: "Not Available". The isoleucine amino acid residue is found in multiple mammalian species, which suggests that this missense change does not adversely affect protein function. In summary, the available evidence is currently insufficient to determine the role of this variant in disease. Therefore, it has been classified as a Variant of Uncertain Significance.

Ambry Genetics
Classification: Uncertain significance for Inborn genetic diseases. Last evaluated: 2023-06-29. Review status: criteria provided, single submitter. Criteria: Ambry Variant Classification Scheme 2023. Collection method: clinical testing. Allele origin: germline.